The following is an entry in ClinVar:

NM_006231.4(POLE):c.3695A>G (p.Lys1232Arg)

Gene: POLE (DNA polymerase epsilon, catalytic subunit; minus strand). Cytogenetic location: 12q24.33.
Variant type: single nucleotide variant.
Coding change: c.3695A>G on transcript NM_006231.4 (MANE Select); coding-DNA position 3695, A replaced by G.
Protein change: p.Lys1232Arg; replaces lysine 1232 with arginine.
Molecular consequence: missense variant.
Genome position (GRCh38, 1-based): chr12:132,649,777, T>C on the plus strand (A>G on the coding strand, the complement: POLE is on the minus strand). VCF-style: chr12-132649777-T-C. GRCh37 (hg19) VCF-style: chr12-133226363-T-C.
Other names: short protein forms K1232R.
Identifiers: ClinVar variation 540783 (VCV000540783.8), dbSNP rs774999422, ClinGen allele CA6893138.

ClinVar aggregate classification (germline): Uncertain significance (1 of 4 stars; one submission).

Allele frequency attached by ClinVar (database versions not stated): ExAC 0.00001.
gnomAD v4.1: 4 of 1,614,184 alleles (0.00025%); highest among the groups gnomAD compares: Non-Finnish European, 0.00034%; no homozygotes.

Submission:

Labcorp Genetics (formerly Invitae), Labcorp
Classification: Uncertain significance. Last evaluated: 2024-03-03. Review status: criteria provided, single submitter. Criteria: Invitae Variant Classification Sherloc (09022015). Collection method: clinical testing. Allele origin: germline.
Comment: This sequence change replaces lysine, which is basic and polar, with arginine, which is basic and polar, at codon 1232 of the POLE protein (p.Lys1232Arg). This variant is present in population databases (rs774999422, gnomAD 0.0009%). This variant has not been reported in the literature in individuals affected with POLE-related conditions. ClinVar contains an entry for this variant (Variation ID: 540783). Advanced modeling of protein sequence and biophysical properties (such as structural, functional, and spatial information, amino acid conservation, physicochemical variation, residue mobility, and thermodynamic stability) performed at Invitae indicates that this missense variant is not expected to disrupt POLE protein function with a negative predictive value of 80%. In summary, the available evidence is currently insufficient to determine the role of this variant in disease. Therefore, it has been classified as a Variant of Uncertain Significance.